The following is an entry in ClinVar:

NM_001367561.1(DOCK7):c.1847A>G (p.Tyr616Cys)

Gene: DOCK7 (dedicator of cytokinesis 7; minus strand). Cytogenetic location: 1p31.3.
Variant type: single nucleotide variant.
Coding change: c.1847A>G on transcript NM_001367561.1 (MANE Select); coding-DNA position 1847, A replaced by G.
Protein change: p.Tyr616Cys; replaces tyrosine 616 with cysteine.
Molecular consequence: missense variant.
Genome position (GRCh38, 1-based): chr1:62,583,208, T>C on the plus strand (A>G on the coding strand, the complement: DOCK7 is on the minus strand). VCF-style: chr1-62583208-T-C. GRCh37 (hg19) VCF-style: chr1-63048879-T-C.
Other names: c.1847A>G, p.Tyr616Cys (NM_001271999.2, NM_001272000.2, NM_001272001.2 and 2 more transcripts); short protein forms Y616C.
Identifiers: ClinVar variation 969564 (VCV000969564.8), dbSNP rs1431145290, ClinGen allele CA340629498.

ClinVar aggregate classification (germline): Uncertain significance (1 of 4 stars; one submission).

Conditions:
Developmental and epileptic encephalopathy, 23 (DEE23). Also called: Epileptic encephalopathy, early infantile, 23. Identifiers: Orphanet 411986, MedGen C4014492, MONDO:0014371, OMIM 615859.

Allele frequency attached by ClinVar (database versions not stated): gnomAD exomes below 0.00001.
gnomAD v4.1: 1 of 1,613,394 alleles (0.000062%); highest among the groups gnomAD compares: Admixed American, 0.0017%; no homozygotes.

Submission:

Labcorp Genetics (formerly Invitae), Labcorp
Classification: Uncertain significance for Developmental and epileptic encephalopathy, 23. Last evaluated: 2022-06-03. Review status: criteria provided, single submitter. Criteria: Invitae Variant Classification Sherloc (09022015). Collection method: clinical testing. Allele origin: germline.
Comment: In summary, the available evidence is currently insufficient to determine the role of this variant in disease. Therefore, it has been classified as a Variant of Uncertain Significance. Algorithms developed to predict the effect of missense changes on protein structure and function are either unavailable or do not agree on the potential impact of this missense change (SIFT: "Tolerated"; PolyPhen-2: "Probably Damaging"; Align-GVGD: "Class C0"). ClinVar contains an entry for this variant (Variation ID: 969564). This variant has not been reported in the literature in individuals affected with DOCK7-related conditions. This variant is present in population databases (no rsID available, gnomAD 0.003%). This sequence change replaces tyrosine, which is neutral and polar, with cysteine, which is neutral and slightly polar, at codon 616 of the DOCK7 protein (p.Tyr616Cys).